The following is an entry in ClinVar:

NM_144992.5(VWA3B):c.1093G>A (p.Asp365Asn)

Gene: VWA3B (von Willebrand factor A domain containing 3B; plus strand). Cytogenetic location: 2q11.2.
Variant type: single nucleotide variant.
Coding change: c.1093G>A on transcript NM_144992.5 (MANE Select); coding-DNA position 1093, G replaced by A.
Protein change: p.Asp365Asn; replaces aspartic acid 365 with asparagine.
Molecular consequence: missense variant. On other transcripts: non-coding transcript variant (3).
Genome position (GRCh38, 1-based): chr2:98,162,955, G>A. VCF-style: chr2-98162955-G-A. GRCh37 (hg19) VCF-style: chr2-98779418-G-A.
Other names: c.64G>A, p.Asp22Asn (NM_001345864.2); short protein forms D22N, D365N.
Identifiers: ClinVar variation 767808 (VCV000767808.7), dbSNP rs77092382, ClinGen allele CA1792422.

ClinVar aggregate classification (germline): Benign. Review status: criteria provided, multiple submitters, no conflicts (2 of 4 stars). 3 submissions from 3 submitters: Benign (2). 1 of the submissions does not count toward it. Last evaluated 2019-12-31.

Conditions:
VWA3B-related disorder. Also called: VWA3B-related condition.

Allele frequency attached by ClinVar (database versions not stated): gnomAD exomes 0.00587; ExAC 0.00706; gnomAD 0.02318 and 0.02463; ESP Exome Variant Server 0.02580; 1000 Genomes Project 0.02636; TOPMed 0.02651; 1000 Genomes Project 30x 0.02858.
gnomAD v4.1: 7,103 of 1,614,118 alleles (0.44%); highest among the groups gnomAD compares: African/African-American, 8.1%; 269 homozygotes.

Submissions (3):

Labcorp Genetics (formerly Invitae), Labcorp
Classification: Benign. Last evaluated: 2019-12-31. Review status: criteria provided, single submitter. Criteria: Invitae Variant Classification Sherloc (09022015). Collection method: clinical testing. Allele origin: germline.

Breakthrough Genomics
Classification: Benign. Review status: criteria provided, single submitter. Criteria: ACMG Guidelines, 2015. Collection method: not provided. Allele origin: germline. Inheritance: Autosomal recessive inheritance. Affected: yes.

PreventionGenetics, part of Exact Sciences
Classification: Benign for VWA3B-related condition. Last evaluated: 2019-11-18. Review status: no assertion criteria provided. Collection method: clinical testing. Allele origin: germline. Not counted in ClinVar's aggregate classification.
Comment: This variant is classified as benign based on ACMG/AMP sequence variant interpretation guidelines (Richards et al. 2015 PMID: 25741868, with internal and published modifications).